The following is an entry in ClinVar:

ClinVar aggregate classification (germline): Uncertain significance (1 of 4 stars; one submission).

Conditions:
Familial thoracic aortic aneurysm and aortic dissection (TAAD). Also called: Thoracic aortic aneurysms and dissections. Identifiers: Orphanet 91387, MedGen C4707243, MONDO:0019625.

Submission:

Color Diagnostics, LLC DBA Color Health
Classification: Uncertain significance for Familial thoracic aortic aneurysm and aortic dissection. Last evaluated: 2025-07-14. Review status: criteria provided, single submitter. Criteria: ACMG Guidelines, 2015. Collection method: clinical testing. Allele origin: germline.
Comment: This variant causes an in-frame deletion of one amino acid at exon 36 of the MYH11 protein. To our knowledge, functional studies have not been reported for this variant. This variant has not been reported in individuals affected with MYH11-related disorders in the literature. This variant has not been identified in the general population by the Genome Aggregation Database (gnomAD). The available evidence is insufficient to determine the role of this variant in disease conclusively. Therefore, this variant is classified as a Variant of Uncertain Significance.

NM_002474.3(MYH11):c.5035_5037del (p.Glu1679del)

Genes: NDE1 (nudE neurodevelopment protein 1; plus strand), MYH11 (myosin heavy chain 11; minus strand). Cytogenetic location: 16p13.11.
Variant type: Deletion.
Coding change: c.5035_5037del on transcript NM_002474.3 (MANE Select); coding-DNA positions 5035 to 5037, 3 bases deleted (GAG; older notation c.5035_5037delGAG).
Protein change: p.Glu1679del; deletes glutamic acid 1679.
Molecular consequence: intron variant (on NM_017668.3).
Genome position (GRCh38, 1-based): chr16:15,719,630-15,719,632, CTC deleted on the plus strand (GAG on the coding strand, the reverse complement: MYH11 is on the minus strand). VCF-style (leftmost placement, unchanged base first): chr16-15719629-TCTC-T. GRCh37 (hg19) VCF-style: chr16-15813486-TCTC-T.
Other names: c.5056_5058del, p.Glu1686del (NM_001040113.2, NM_001040114.2); c.5035_5037del, p.Glu1679del (NM_022844.3); c.948-4561_948-4559del (NM_001143979.2, NM_017668.3); short protein forms E1679del, E1686del.
Identifiers: ClinVar variation 4757429 (VCV004757429.1).